The following is an entry in ClinVar:

ClinVar aggregate classification (germline): Uncertain significance (1 of 4 stars; one submission).

Allele frequency attached by ClinVar (database versions not stated): gnomAD exomes below 0.00001; gnomAD 0.00001; ExAC 0.00001; TOPMed 0.00002; ESP Exome Variant Server 0.00015.
gnomAD v4.1: 5 of 1,613,950 alleles (0.00031%); highest among the groups gnomAD compares: Non-Finnish European, 0.00042%; no homozygotes.

Submission:

Labcorp Genetics (formerly Invitae), Labcorp
Classification: Uncertain significance. Last evaluated: 2020-07-30. Review status: criteria provided, single submitter. Criteria: Invitae Variant Classification Sherloc (09022015). Collection method: clinical testing. Allele origin: germline.
Comment: This sequence change replaces aspartic acid with glycine at codon 258 of the CDHR1 protein (p.Asp258Gly). The aspartic acid residue is moderately conserved and there is a moderate physicochemical difference between aspartic acid and glycine. This variant is present in population databases (rs138670791, ExAC 0.001%). This variant has not been reported in the literature in individuals with CDHR1-related conditions. Advanced modeling of protein sequence and biophysical properties (such as structural, functional, and spatial information, amino acid conservation, physicochemical variation, residue mobility, and thermodynamic stability) performed at Invitae indicates that this missense variant is not expected to disrupt CDHR1 protein function. In summary, the available evidence is currently insufficient to determine the role of this variant in disease. Therefore, it has been classified as a Variant of Uncertain Significance.

NM_033100.4(CDHR1):c.773A>G (p.Asp258Gly)

Gene: CDHR1 (cadherin related family member 1; plus strand). Cytogenetic location: 10q23.1.
Variant type: single nucleotide variant.
Coding change: c.773A>G on transcript NM_033100.4 (MANE Select); coding-DNA position 773, A replaced by G.
Protein change: p.Asp258Gly; replaces aspartic acid 258 with glycine.
Molecular consequence: missense variant.
Genome position (GRCh38, 1-based): chr10:84,203,113, A>G. VCF-style: chr10-84203113-A-G. GRCh37 (hg19) VCF-style: chr10-85962869-A-G.
Other names: c.773A>G, p.Asp258Gly (NM_001171971.3); short protein forms D258G.
Identifiers: ClinVar variation 1016572 (VCV001016572.6), dbSNP rs138670791, ClinGen allele CA5579668.